The following is an entry in ClinVar:

NM_001631.5(ALPI):c.153C>T (p.Val51=)

Gene: ALPI (alkaline phosphatase, intestinal; plus strand). Cytogenetic location: 2q37.1.
Variant type: single nucleotide variant.
Coding change: c.153C>T on transcript NM_001631.5 (MANE Select); coding-DNA position 153, C replaced by T.
Protein change: p.Val51=; no amino-acid change (valine 51 retained).
Molecular consequence: synonymous variant.
Genome position (GRCh38, 1-based): chr2:232,456,434, C>T. VCF-style: chr2-232456434-C-T. GRCh37 (hg19) VCF-style: chr2-233321144-C-T.
Identifiers: ClinVar variation 3357056 (VCV003357056.1).
Genomic context (GRCh38, chr2:232,456,434, plus strand): 5'-GAACCGCCAGGCAGCTGAGGCCCTGGATGCTGCCAAGAAGCTGCAGCCCATCCAGAAGGT[C>T]GCCAAGAACCTCATCCTCTTCCTGGGCGATGGTGAGTGAGCAAGGCCTGTCCAGCCCCGT-3'
Protein context (NP_001622.2, residues 41-61): AAKKLQPIQK[Val51=]AKNLILFLGD

ClinVar aggregate classification (germline): Likely benign (0 of 4 stars; one submission).

Conditions:
ALPI-related disorder. Also called: ALPI-related condition.

Submission:

PreventionGenetics, part of Exact Sciences
Classification: Likely benign for ALPI-related condition. Last evaluated: 2024-08-06. Review status: no assertion criteria provided. Collection method: clinical testing. Allele origin: germline.
Comment: This variant is classified as likely benign based on ACMG/AMP sequence variant interpretation guidelines (Richards et al. 2015 PMID: 25741868, with internal and published modifications).